The following is an entry in ClinVar:

ClinVar aggregate classification (germline): Uncertain significance (1 of 4 stars; one submission).

Submission:

Labcorp Genetics (formerly Invitae), Labcorp
Classification: Uncertain significance. Last evaluated: 2023-12-30. Review status: criteria provided, single submitter. Criteria: Invitae Variant Classification Sherloc (09022015). Collection method: clinical testing. Allele origin: germline.
Comment: This sequence change replaces alanine, which is neutral and non-polar, with valine, which is neutral and non-polar, at codon 297 of the CLCN4 protein (p.Ala297Val). This variant is not present in population databases (gnomAD no frequency). This variant has not been reported in the literature in individuals affected with CLCN4-related conditions. Advanced modeling of protein sequence and biophysical properties (such as structural, functional, and spatial information, amino acid conservation, physicochemical variation, residue mobility, and thermodynamic stability) has been performed at Invitae for this missense variant, however the output from this modeling did not meet the statistical confidence thresholds required to predict the impact of this variant on CLCN4 protein function. In summary, the available evidence is currently insufficient to determine the role of this variant in disease. Therefore, it has been classified as a Variant of Uncertain Significance.

NM_001830.4(CLCN4):c.890C>T (p.Ala297Val)

Gene: CLCN4 (chloride voltage-gated channel 4; plus strand). Cytogenetic location: Xp22.2.
Variant type: single nucleotide variant.
Coding change: c.890C>T on transcript NM_001830.4 (MANE Select); coding-DNA position 890, C replaced by T.
Protein change: p.Ala297Val; replaces alanine 297 with valine.
Molecular consequence: missense variant.
Genome position (GRCh38, 1-based): chrX:10,208,091, C>T. VCF-style: chrX-10208091-C-T. GRCh37 (hg19) VCF-style: chrX-10176131-C-T.
Other names: c.608C>T, p.Ala203Val (NM_001256944.2); short protein forms A297V, A203V.
Identifiers: ClinVar variation 2706568 (VCV002706568.3), dbSNP rs2518885301, ClinGen allele CA412037390.
Genomic context (GRCh38, chrX:10,208,091, plus strand): 5'-CTTTTTCATCTCAGGTCAGTTACTACTTTCCCCTGAAGACCTTGTGGAGGTCATTTTTCG[C>T]AGCCCTGGTGGCGGCCTTTACGCTGAGATCCATCAATCCCTTTGGGAATAGCCGTCTCGT-3'
Protein context (NP_001821.2, residues 287-307): PLKTLWRSFF[Ala297Val]ALVAAFTLRS